The following is an entry in ClinVar:

ClinVar aggregate classification (germline): Pathogenic/Likely pathogenic. Review status: criteria provided, multiple submitters, no conflicts (2 of 4 stars). 2 submissions from 2 submitters: Pathogenic (1); Likely pathogenic (1). Last evaluated 2024-04-30.

Conditions:
Mucolipidosis type II. Also called: ML II ALPHA/BETA; Mucolipidosis 2; ML 2; Inclusion cell disease; Leroy Disease; N-acetylglucosamine 1phosphotransferase deficiency. Identifiers: Orphanet 576, MedGen C2673377, MONDO:0009650, OMIM 252500.
Pseudo-Hurler polydystrophy. Also called: ML III; ML III ALPHA/BETA; Type III Mucolipidosis; ML IIIA; Mucolipidosis III Alpha/Beta; MUCOLIPIDOSIS IIIA. Identifiers: Orphanet 423461, Orphanet 577, MedGen C0033788, MONDO:0018931, OMIM 252600.

Submissions (2):

Natera, Inc.
Classification: Likely pathogenic for Mucolipidosis type II. Last evaluated: 2024-04-30. Review status: criteria provided, single submitter. Criteria: Natera Variant Classification Schema (03/2026). Collection method: clinical testing. Allele origin: germline.
Comment: The c.3159dupG variant in GNPTAB is a frameshift variant predicted to shift the reading frame beginning at codon 1054 and leads to a stop codon 11 codons downstream. This variant is expected to result in nonsense mediated decay, truncation, or a dysfunctional protein product. This variant is rare in the general population with a frequency below the threshold expected for the associated phenotype(s). Given the available evidence, this variant is classified as Likely Pathogenic.

Labcorp Genetics (formerly Invitae), Labcorp
Classification: Pathogenic for Pseudo-Hurler polydystrophy; Mucolipidosis type II. Last evaluated: 2023-01-18. Review status: criteria provided, single submitter. Criteria: Invitae Variant Classification Sherloc (09022015). Collection method: clinical testing. Allele origin: germline.
Comment: For these reasons, this variant has been classified as Pathogenic. This variant has not been reported in the literature in individuals affected with GNPTAB-related conditions. This variant is not present in population databases (gnomAD no frequency). This sequence change creates a premature translational stop signal (p.Leu1054Alafs*11) in the GNPTAB gene. It is expected to result in an absent or disrupted protein product. Loss-of-function variants in GNPTAB are known to be pathogenic (PMID: 19617216, 25107912).

Literature cited by the submitters: PubMed 19617216 (cited by Labcorp Genetics (formerly Invitae), Labcorp); PubMed 25107912 (cited by Labcorp Genetics (formerly Invitae), Labcorp).

NM_024312.5(GNPTAB):c.3159dup (p.Leu1054fs)

Gene: GNPTAB (N-acetylglucosamine-1-phosphate transferase subunits alpha and beta; minus strand). Cytogenetic location: 12q23.2.
Variant type: Duplication.
Coding change: c.3159dup on transcript NM_024312.5 (MANE Select); coding-DNA position 3159, one base duplicated (G; older notation c.3159dupG).
Protein change: p.Leu1054fs; shifts the reading frame from leucine 1054.
Molecular consequence: frameshift variant.
Genome position (GRCh38, 1-based): chr12:101,760,120, C duplicated on the plus strand (G on the coding strand, the reverse complement: GNPTAB is on the minus strand). VCF-style (leftmost placement, unchanged base first): chr12-101760119-G-GC. GRCh37 (hg19) VCF-style: chr12-102153897-G-GC.
Other names: c.3159dupG (NM_024312.4); short protein forms L1054fs.
Identifiers: ClinVar variation 2943388 (VCV002943388.4), dbSNP rs2547953486, ClinGen allele CA2740092549.
Genomic context (GRCh38, chr12:101,760,119, plus strand): 5'-TTGGTGGAATATTATTTAGCTGCGTGATATCAGCAGGAAGCATTTTTGAGCAATTTATTA[G>GC]CATGTGTTCCAGACCTGTCAAATCCTAACAAAGAAAAAGATGATAAATCTGTTATGCGCA-3'